The following is an entry in ClinVar:

NM_000352.6(ABCC8):c.234C>A (p.Thr78=)

Gene: ABCC8 (ATP binding cassette subfamily C member 8; minus strand). Cytogenetic location: 11p15.1.
Variant type: single nucleotide variant.
Coding change: c.234C>A on transcript NM_000352.6 (MANE Select); coding-DNA position 234, C replaced by A.
Protein change: p.Thr78=; no amino-acid change (threonine 78 retained).
Molecular consequence: synonymous variant. On other transcripts: non-coding transcript variant (1).
Genome position (GRCh38, 1-based): chr11:17,474,942, G>T on the plus strand (C>A on the coding strand, the complement: ABCC8 is on the minus strand). VCF-style: chr11-17474942-G-T. GRCh37 (hg19) VCF-style: chr11-17496489-G-T.
Other names: c.234C>A, p.Thr78= (NM_001287174.3, NM_001351295.2, NM_001351296.2 and 1 more transcripts).
Identifiers: ClinVar variation 727466 (VCV000727466.9), dbSNP rs1591928554, ClinGen allele CA473301950.

ClinVar aggregate classification (germline): Conflicting classifications of pathogenicity. Review status: criteria provided, conflicting classifications (1 of 4 stars). 3 submissions from 2 submitters: Uncertain significance (2); Likely benign (1). Last evaluated 2023-03-14.

Conditions:
Transitory neonatal diabetes mellitus. Also called: Transient neonatal diabetes mellitus. Identifiers: MedGen C0342273, MONDO:0020525, HP:0008255.
Maturity-onset diabetes of the young (MODY). Also called: Maturity onset diabetes mellitus in young. Identifiers: Orphanet 552, MedGen C0342276, MONDO:0018911, HP:0004904.

Allele frequency attached by ClinVar (database versions not stated): TOPMed below 0.00001.

Submissions (3):

Labcorp Genetics (formerly Invitae), Labcorp
Classification: Likely benign. Last evaluated: 2023-03-14. Review status: criteria provided, single submitter. Criteria: Invitae Variant Classification Sherloc (09022015). Collection method: clinical testing. Allele origin: germline.

Clinical Genomics, Uppaluri K&H Personalized Medicine Clinic
Classification: Uncertain significance for Maturity-onset diabetes of the young. Review status: criteria provided, single submitter. Criteria: K & H Uppaluri Personalized Medicine Clinic Variant Classification & Assertion Criteria_Updated V.1. Collection method: research. Allele origin: unknown. Inheritance: Somatic mutation.
Comment: Mutations in ABCC8 gene are associated with both neonatal diabetes mellitus as well as MODY. Patients with this mutation may have a better response to sulfonylureas. However, no sufficient evidence is found to ascertain the role of this particular variant ( rs1591928554) in MODY yet.

Clinical Genomics, Uppaluri K&H Personalized Medicine Clinic
Classification: Uncertain significance for Transitory neonatal diabetes mellitus. Review status: criteria provided, single submitter. Criteria: K & H Uppaluri Personalized Medicine Clinic Variant Classification & Assertion Criteria_Updated V.1. Collection method: research. Allele origin: unknown. Inheritance: Somatic mutation.
Comment: Mutations in ABCC8 gene are associated with both neonatal diabetes mellitus as well as MODY. Patients with this mutation may have a better response to sulfonylureas. However, no sufficient evidence is found to ascertain the role of this particular variant ( rs1591928554) in neonatal diabetes yet.

Literature cited by the submitters: PubMed 16885549 (cited by Clinical Genomics, Uppaluri K&H Personalized Medicine Clinic); PubMed 21989597 (cited by Clinical Genomics, Uppaluri K&H Personalized Medicine Clinic); PubMed 27538677 (cited by Clinical Genomics, Uppaluri K&H Personalized Medicine Clinic); PubMed 18981553 (cited by Clinical Genomics, Uppaluri K&H Personalized Medicine Clinic); PubMed 32027066 (cited by Clinical Genomics, Uppaluri K&H Personalized Medicine Clinic); PubMed 16613899 (cited by Clinical Genomics, Uppaluri K&H Personalized Medicine Clinic); PubMed 18025408 (cited by Clinical Genomics, Uppaluri K&H Personalized Medicine Clinic); PubMed 32792356 (cited by Clinical Genomics, Uppaluri K&H Personalized Medicine Clinic).